The following is an entry in ClinVar:

NM_032608.7(MYO18B):c.4435A>C (p.Ser1479Arg)

Genes: MYO18B (myosin XVIIIB; plus strand), MYO18B-AS1 (MYO18B antisense RNA 1; minus strand). Cytogenetic location: 22q12.1.
Variant type: single nucleotide variant.
Coding change: c.4435A>C on transcript NM_032608.7 (MANE Select); coding-DNA position 4435, A replaced by C.
Protein change: p.Ser1479Arg; replaces serine 1479 with arginine.
Molecular consequence: missense variant.
Genome position (GRCh38, 1-based): chr22:25,891,304, A>C. VCF-style: chr22-25891304-A-C. GRCh37 (hg19) VCF-style: chr22-26287271-A-C.
Other names: c.4438A>C, p.Ser1480Arg (NM_001318245.2); short protein forms S1479R, S1480R.
Identifiers: ClinVar variation 1935044 (VCV001935044.5), dbSNP rs753097059, ClinGen allele CA411009484.
Genomic context (GRCh38, chr22:25,891,304, plus strand): 5'-AGATGACCAGCCCATGTCTTCTGTCCAGCTCTAGTTTAGACCTTGAGCCCTTTCTTCTAG[A>C]GCAAGCATGAACAAGTCCAGAAAAAACTGGGAGATGTGAATAAACAGTTGGAAGAAGCCC-3'
Protein context (NP_115997.5, residues 1469-1489): QAFREVQELK[Ser1479Arg]KHEQVQKKLG

ClinVar aggregate classification (germline): Uncertain significance (1 of 4 stars; one submission).

gnomAD v4.1: 2 of 1,563,280 alleles (0.00013%); highest among the groups gnomAD compares: Non-Finnish European, 0.00017%; no homozygotes.

Submission:

Labcorp Genetics (formerly Invitae), Labcorp
Classification: Uncertain significance. Last evaluated: 2025-10-02. Review status: criteria provided, single submitter. Criteria: Invitae Variant Classification Sherloc (09022015). Collection method: clinical testing. Allele origin: germline.
Comment: This sequence change replaces serine, which is neutral and polar, with arginine, which is basic and polar, at codon 1479 of the MYO18B protein (p.Ser1479Arg). This variant is not present in population databases (gnomAD no frequency). This variant has not been reported in the literature in individuals affected with MYO18B-related conditions. ClinVar contains an entry for this variant (Variation ID: 1935044). An algorithm developed to predict the effect of missense changes on protein structure and function (PolyPhen-2) suggests that this variant is likely to be disruptive. In summary, the available evidence is currently insufficient to determine the role of this variant in disease. Therefore, it has been classified as a Variant of Uncertain Significance.